The following is an entry in ClinVar:

ClinVar aggregate classification (germline): Uncertain significance (1 of 4 stars; one submission).

Submission:

Labcorp Genetics (formerly Invitae), Labcorp
Classification: Uncertain significance. Last evaluated: 2025-08-04. Review status: criteria provided, single submitter. Criteria: Invitae Variant Classification Sherloc (09022015). Collection method: clinical testing. Allele origin: germline.
Comment: This sequence change replaces lysine, which is basic and polar, with arginine, which is basic and polar, at codon 382 of the CYP11A1 protein (p.Lys382Arg). This variant is not present in population databases (gnomAD no frequency). This variant has not been reported in the literature in individuals affected with CYP11A1-related conditions. Invitae Evidence Modeling of protein sequence and biophysical properties (such as structural, functional, and spatial information, amino acid conservation, physicochemical variation, residue mobility, and thermodynamic stability) has been performed for this missense variant. However, the output from this modeling did not meet the statistical confidence thresholds required to predict the impact of this variant on CYP11A1 protein function. In summary, the available evidence is currently insufficient to determine the role of this variant in disease. Therefore, it has been classified as a Variant of Uncertain Significance.

NM_000781.3(CYP11A1):c.1145A>G (p.Lys382Arg)

Gene: CYP11A1 (cytochrome P450 family 11 subfamily A member 1; minus strand). Cytogenetic location: 15q24.1.
Variant type: single nucleotide variant.
Coding change: c.1145A>G on transcript NM_000781.3 (MANE Select); coding-DNA position 1145, A replaced by G.
Protein change: p.Lys382Arg; replaces lysine 382 with arginine.
Molecular consequence: missense variant.
Genome position (GRCh38, 1-based): chr15:74,339,599, T>C on the plus strand (A>G on the coding strand, the complement: CYP11A1 is on the minus strand). VCF-style: chr15-74339599-T-C. GRCh37 (hg19) VCF-style: chr15-74631940-T-C.
Other names: c.671A>G, p.Lys224Arg (NM_001099773.2); short protein forms K224R, K382R.
Identifiers: ClinVar variation 4769061 (VCV004769061.1).
Genomic context (GRCh38, chr15:74,339,599, plus strand): 5'-CTGCCCAGGGATTGGAGTTGGGGGCGGCATGGGTGGTTGTGGGCTTGCCTTAGTGTCTCC[T>C]TGATGCTGGCTTTGAGGAGGGGGACCAGCTGTAGCATCGTGGCCATGTCTCCCTGGGCCT-3'
Protein context (NP_000772.2, residues 372-392): QLVPLLKASI[Lys382Arg]ETLRLHPISV